The following is an entry in ClinVar:

NM_000439.5(PCSK1):c.883-5T>G

Genes: PCSK1 (proprotein convertase subtilisin/kexin type 1; minus strand), CAST (calpastatin; plus strand), LOC101929710 (uncharacterized LOC101929710; plus strand). Cytogenetic location: 5q15.
Variant type: single nucleotide variant.
Coding change: c.883-5T>G on transcript NM_000439.5 (MANE Select); 5 bases into the intron before coding-DNA position 883, T replaced by G.
Molecular consequence: intron variant.
Genome position (GRCh38, 1-based): chr5:96,410,991, A>C on the plus strand (T>G on the coding strand, the complement: PCSK1 is on the minus strand). VCF-style: chr5-96410991-A-C. GRCh37 (hg19) VCF-style: chr5-95746695-A-C.
Other names: c.-175+31339A>C (NM_001423254.1, NM_001423259.1, NM_001423255.1 and 6 more transcripts); c.-103+31339A>C (NM_001423253.1); c.-40+31339A>C (NM_001423258.1); c.742-5T>G (NM_001177875.2).
Identifiers: ClinVar variation 3345998 (VCV003345998.1).

ClinVar aggregate classification (germline): Uncertain significance (0 of 4 stars; one submission).

Conditions:
PCSK1-related disorder. Also called: PCSK1-related condition.

Submission:

PreventionGenetics, part of Exact Sciences
Classification: Uncertain significance for PCSK1-related condition. Last evaluated: 2024-06-24. Review status: no assertion criteria provided. Collection method: clinical testing. Allele origin: germline.
Comment: The PCSK1 c.883-5T>G variant is predicted to interfere with splicing. To our knowledge, this variant has not been reported in the literature or in a large population database, indicating this variant is rare. At this time, the clinical significance of this variant is uncertain due to the absence of conclusive functional and genetic evidence.